The following is an entry in ClinVar:

NM_019892.6(INPP5E):c.1760del (p.Val587fs)

Gene: INPP5E (inositol polyphosphate-5-phosphatase E; minus strand). Cytogenetic location: 9q34.3.
Variant type: Deletion.
Coding change: c.1760del on transcript NM_019892.6 (MANE Select); coding-DNA position 1760, one base deleted (T; older notation c.1760delT).
Protein change: p.Val587fs; shifts the reading frame from valine 587.
Molecular consequence: frameshift variant.
Genome position (GRCh38, 1-based): chr9:136,430,319, A deleted on the plus strand (T on the coding strand, the reverse complement: INPP5E is on the minus strand). VCF-style (leftmost placement, unchanged base first): chr9-136430318-CA-C. GRCh37 (hg19) VCF-style: chr9-139324770-CA-C.
Other names: c.1757del, p.Val586fs (NM_001318502.2); c.1760delT (NM_019892.5); short protein forms V586fs, V587fs.
Identifiers: ClinVar variation 217656 (VCV000217656.12), dbSNP rs775518991, ClinGen allele CA277691.

ClinVar aggregate classification (germline): Pathogenic/Likely pathogenic. Review status: criteria provided, multiple submitters, no conflicts (2 of 4 stars). 5 submissions from 5 submitters: Pathogenic (3); Likely pathogenic (2). Last evaluated 2025-12-29.

Conditions:
INPP5E-related disorder. Also called: INPP5E-related condition.
Joubert syndrome. Also called: Familial aplasia of the vermis; JOUBERT-BOLTSHAUSER SYNDROME. Identifiers: Orphanet 475, MedGen C5979921, MONDO:0018772.
Rod-cone dystrophy. Identifiers: MedGen C4551714, HP:0000510.

Allele frequency attached by ClinVar (database versions not stated): gnomAD exomes 0.00001 and 0.00004; gnomAD 0.00002; TOPMed 0.00002.

Submissions (5):

PreventionGenetics, part of Exact Sciences
Classification: Pathogenic for INPP5E-related condition. Last evaluated: 2025-12-29. Review status: criteria provided, single submitter. Criteria: ACMG Guidelines, 2015. Collection method: clinical testing. Allele origin: germline.
Comment: The INPP5E c.1760delT variant is predicted to result in a frameshift and premature protein termination (p.Val587Glyfs*7). This variant has been reported in an individual with Joubert syndrome (Table S5, Bachmann-Gagescu et al. 2015. PubMed ID: 26092869) and it has also been reported in individuals with an inherited retinal disease phenotype (Figure 1, Sangermano et al. 2021. PubMed ID: 34188062; Table S1, Lin et al. 2024. PubMed ID: 38219857). This variant is reported in 0.0033% of alleles in individuals of European (Non-Finnish) descent in gnomAD. Frameshift variants in INPP5E are expected to be pathogenic. This variant is interpreted as pathogenic.

Labcorp Genetics (formerly Invitae), Labcorp
Classification: Pathogenic for Joubert syndrome. Last evaluated: 2024-05-15. Review status: criteria provided, single submitter. Criteria: Invitae Variant Classification Sherloc (09022015). Collection method: clinical testing. Allele origin: germline.
Comment: This sequence change creates a premature translational stop signal (p.Val587Glyfs*7) in the INPP5E gene. While this is not anticipated to result in nonsense mediated decay, it is expected to disrupt the last 58 amino acid(s) of the INPP5E protein. This variant is present in population databases (rs775518991, gnomAD 0.003%). This premature translational stop signal has been observed in individual(s) with Joubert syndrome and/or retinitis pigmentosa (PMID: 26092869; Invitae). In at least one individual the data is consistent with being in trans (on the opposite chromosome) from a pathogenic variant. ClinVar contains an entry for this variant (Variation ID: 217656). Algorithms developed to predict the effect of sequence changes on RNA splicing suggest that this variant may disrupt the consensus splice site. This variant disrupts a region of the INPP5E protein in which other variant(s) (p.Pro597Leu) have been determined to be pathogenic (Invitae). This suggests that this is a clinically significant region of the protein, and that variants that disrupt it are likely to be disease-causing. For these reasons, this variant has been classified as Pathogenic.

Blueprint Genetics
Classification: Likely pathogenic for INPP5E-related disorders. Last evaluated: 2022-10-21. Review status: criteria provided, single submitter. Criteria: ACMG Guidelines, 2015. Collection method: clinical testing. Allele origin: germline. Affected: yes. Observed: 1 variant allele.

Ocular Genomics Institute, Massachusetts Eye and Ear
Classification: Likely pathogenic for Rod-cone dystrophy. Last evaluated: 2021-04-08. Review status: criteria provided, single submitter. Criteria: ACMG Guidelines, 2015. Collection method: research. Allele origin: germline. Affected: yes.
Comment: Through a review of available evidence we were able to apply the following criteria: PVS1, PM2. Based on this evidence we have classified this variant as Likely Pathogenic.

UW Hindbrain Malformation Research Program, University of Washington
Classification: Pathogenic for Joubert syndrome 1. Last evaluated: 2015-02-23. Review status: criteria provided, single submitter. Criteria: Bachmann-Gagescu et al. (J Med Genet. 2015). Collection method: research. Allele origin: unknown. Affected: yes.

Literature cited by the submitters: PubMed 26092869 (cited by Labcorp Genetics (formerly Invitae), Labcorp).